The following is an entry in ClinVar:

NM_001130987.2(DYSF):c.2986del (p.Glu996fs)

Gene: DYSF (dysferlin; plus strand). Cytogenetic location: 2p13.2.
Variant type: Deletion.
Coding change: c.2986del on transcript NM_001130987.2 (MANE Select); coding-DNA position 2986, one base deleted (G; older notation c.2986delG).
Protein change: p.Glu996fs; shifts the reading frame from glutamic acid 996.
Molecular consequence: frameshift variant.
Genome position (GRCh38, 1-based): chr2:71,570,235, G deleted; the last of 4 consecutive G bases (chr2:71,570,232-71,570,235); deleting any one gives the same sequence. VCF-style (leftmost placement, unchanged base first): chr2-71570231-CG-C. GRCh37 (hg19) VCF-style: chr2-71797361-CG-C.
Other names: c.2935del, p.Glu979fs (NM_001130455.2, NM_001130983.2); c.2890del, p.Glu964fs (NM_001130976.2, NM_001130977.2); c.2932del, p.Glu978fs (NM_001130978.2, NM_003494.4); c.3025del, p.Glu1009fs (NM_001130979.2); c.2983del, p.Glu995fs (NM_001130980.2, NM_001130981.2); c.3028del, p.Glu1010fs (NM_001130982.2); c.2893del, p.Glu965fs (NM_001130984.2, NM_001130986.2); c.2986del, p.Glu996fs (NM_001130985.2); short protein forms E1009fs, E1010fs, E964fs, E965fs, E978fs, E979fs, E995fs, E996fs.
Identifiers: ClinVar variation 5014332 (VCV005014332.1).

ClinVar aggregate classification (germline): Pathogenic (1 of 4 stars; one submission).

Conditions:
Autosomal recessive limb-girdle muscular dystrophy. Identifiers: Orphanet 102015, MedGen C2931907, MONDO:0015152.

Submission:

Myriad Genetics, Inc.
Classification: Pathogenic for Autosomal recessive limb-girdle muscular dystrophy. Last evaluated: 2025-04-16. Review status: criteria provided, single submitter. Criteria: Myriad Autosomal Dominant, Autosomal Recessive and X-Linked Classification Criteria (2023). Collection method: clinical testing. Allele origin: unknown.
Comment: NM_003494.3(DYSF):c.2932delG(E978Rfs*79) is expected to be pathogenic in the context of dysferlinopathy. This variant is predicted to lead to an abnormal or absent protein product due to the creation of a premature termination codon in DYSF, a gene where loss-of-function variants are known to be pathogenic. Please note: this variant was assessed in the context of healthy population screening.